The following is an entry in ClinVar:

ClinVar aggregate classification (germline): Likely benign. Review status: criteria provided, single submitter (1 of 4 stars). 2 submissions from 2 submitters: Likely benign (1). 1 of the submissions does not count toward it. Last evaluated 2022-08-31.

Conditions:
FASN-related disorder. Also called: FASN-related condition.
Epileptic encephalopathy. Identifiers: MedGen C0543888, HP:0200134.

gnomAD v4.1: 22 of 1,611,040 alleles (0.0014%); highest among the groups gnomAD compares: Middle Eastern, 0.033%; 1 homozygote.

Submissions (2):

Labcorp Genetics (formerly Invitae), Labcorp
Classification: Likely benign for Epileptic encephalopathy. Last evaluated: 2022-08-31. Review status: criteria provided, single submitter. Criteria: Invitae Variant Classification Sherloc (09022015). Collection method: clinical testing. Allele origin: germline.

PreventionGenetics, part of Exact Sciences
Classification: Likely benign for FASN-related condition. Last evaluated: 2019-06-27. Review status: no assertion criteria provided. Collection method: clinical testing. Allele origin: germline. Not counted in ClinVar's aggregate classification.
Comment: This variant is classified as likely benign based on ACMG/AMP sequence variant interpretation guidelines (Richards et al. 2015 PMID: 25741868, with internal and published modifications).

NM_004104.5(FASN):c.4197G>A (p.Thr1399=)

Gene: FASN (fatty acid synthase; minus strand). Cytogenetic location: 17q25.3.
Variant type: single nucleotide variant.
Coding change: c.4197G>A on transcript NM_004104.5 (MANE Select); coding-DNA position 4197, G replaced by A.
Protein change: p.Thr1399=; no amino-acid change (threonine 1399 retained).
Molecular consequence: synonymous variant.
Genome position (GRCh38, 1-based): chr17:82,085,328, C>T on the plus strand (G>A on the coding strand, the complement: FASN is on the minus strand). VCF-style: chr17-82085328-C-T. GRCh37 (hg19) VCF-style: chr17-80043204-C-T.
Other names: c.4197G>A (NM_004104.4).
Identifiers: ClinVar variation 1091018 (VCV001091018.11), dbSNP rs775903535, ClinGen allele CA8852154.
Genomic context (GRCh38, chr17:82,085,328, plus strand): 5'-ATCGTCCACCGGCAGGAAGATGGGGCTGTCCTGCGGGGTGGGCCGGCGGCACAGGAAGAG[C>T]GTGGAGCCGTAGAAGGACTTCTTCAGGCCCACCAGGCGCAGCGACACCCTGGAGAAGAGG-3'
Protein context (NP_004095.4, residues 1389-1409): VGLKKSFYGS[Thr1399=]LFLCRRPTPQ